The following is an entry in ClinVar:

ClinVar aggregate classification (germline): Uncertain significance (1 of 4 stars; one submission).

Conditions:
Hypertrophic cardiomyopathy 26. Also called: Cardiomyopathy, familial hypertrophic, 26. Identifiers: Orphanet 75249, MedGen C4310749, MONDO:0014883, OMIM 617047.
Myofibrillar myopathy 5. Also called: Filaminopathy (type); FILAMINOPATHY, AUTOSOMAL DOMINANT. Identifiers: Orphanet 171445, MedGen C1836050, MONDO:0012289, OMIM 609524.
Distal myopathy with posterior leg and anterior hand involvement. Also called: WILLIAMS DISTAL MYOPATHY. Identifiers: Orphanet 63273, MedGen C3279722, MONDO:0013550, OMIM 614065.

Submission:

Labcorp Genetics (formerly Invitae), Labcorp
Classification: Uncertain significance for Distal myopathy with posterior leg and anterior hand involvement; Myofibrillar myopathy 5; Hypertrophic cardiomyopathy 26. Last evaluated: 2022-10-13. Review status: criteria provided, single submitter. Criteria: Invitae Variant Classification Sherloc (09022015). Collection method: clinical testing. Allele origin: germline.
Comment: In summary, the available evidence is currently insufficient to determine the role of this variant in disease. Therefore, it has been classified as a Variant of Uncertain Significance. Advanced modeling of protein sequence and biophysical properties (such as structural, functional, and spatial information, amino acid conservation, physicochemical variation, residue mobility, and thermodynamic stability) performed at Invitae indicates that this missense variant is not expected to disrupt FLNC protein function. This variant has not been reported in the literature in individuals affected with FLNC-related conditions. This variant is not present in population databases (gnomAD no frequency). This sequence change replaces serine, which is neutral and polar, with tyrosine, which is neutral and polar, at codon 2477 of the FLNC protein (p.Ser2477Tyr).

NM_001458.5(FLNC):c.7430C>A (p.Ser2477Tyr)

Genes: FLNC (filamin C; plus strand), FLNC-AS1 (FLNC antisense RNA 1; minus strand). Cytogenetic location: 7q32.1.
Variant type: single nucleotide variant.
Coding change: c.7430C>A on transcript NM_001458.5 (MANE Select); coding-DNA position 7430, C replaced by A.
Protein change: p.Ser2477Tyr; replaces serine 2477 with tyrosine.
Molecular consequence: missense variant.
Genome position (GRCh38, 1-based): chr7:128,856,790, C>A. VCF-style: chr7-128856790-C-A. GRCh37 (hg19) VCF-style: chr7-128496844-C-A.
Other names: c.7331C>A, p.Ser2444Tyr (NM_001127487.2); short protein forms S2444Y, S2477Y.
Identifiers: ClinVar variation 2092914 (VCV002092914.4), dbSNP rs2128940229, ClinGen allele CA369217339.